The following is an entry in ClinVar:

NM_004667.6(HERC2):c.10239T>A (p.Val3413=)

Gene: HERC2 (HECT and RLD domain containing E3 ubiquitin protein ligase 2; minus strand). Cytogenetic location: 15q13.1.
Variant type: single nucleotide variant.
Coding change: c.10239T>A on transcript NM_004667.6 (MANE Select); coding-DNA position 10239, T replaced by A.
Protein change: p.Val3413=; no amino-acid change (valine 3413 retained).
Molecular consequence: synonymous variant.
Genome position (GRCh38, 1-based): chr15:28,168,581, A>T on the plus strand (T>A on the coding strand, the complement: HERC2 is on the minus strand). VCF-style: chr15-28168581-A-T. GRCh37 (hg19) VCF-style: chr15-28413727-A-T.
Other names: c.10239T>A (NM_004667.5).
Identifiers: ClinVar variation 2645051 (VCV002645051.26), dbSNP rs781471959, ClinGen allele CA7440918.
Genomic context (GRCh38, chr15:28,168,581, plus strand): 5'-CGAGGAGAACGAGGGGCACTCCACCGGGGCGATCATGGCGGCCGGCATCAGGGCCCCGAC[A>T]ACAGCATCTCTGTCAGGACACAAAGCCAGGCCTGTGGTGAGCTGCCCCTTCTCCACTGCA-3'
Protein context (NP_004658.3, residues 3403-3423): ALQIMYARDA[Val3413=]VGALMPAAMI

ClinVar aggregate classification (germline): Likely benign. Review status: criteria provided, multiple submitters, no conflicts (2 of 4 stars). 3 submissions from 3 submitters: Likely benign (2). 1 of the submissions does not count toward it. Last evaluated 2026-07-01.

Conditions:
HERC2-related disorder. Also called: HERC2-related condition.

Allele frequency attached by ClinVar (database versions not stated): ExAC 0.00003.

Submissions (3):

CeGaT Center for Human Genetics Tuebingen
Classification: Likely benign. Last evaluated: 2026-07-01. Review status: criteria provided, single submitter. Criteria: CeGaT Center For Human Genetics Tuebingen Variant Classification Criteria Version 2. Collection method: clinical testing. Allele origin: germline. Affected: yes. Observed: 4 variant alleles.
Comment: HERC2: BP4, BP7

Blueprint Genetics
Classification: Likely benign. Last evaluated: 2024-08-19. Review status: criteria provided, single submitter. Criteria: ACMG Guidelines, 2015. Collection method: clinical testing. Allele origin: germline.

PreventionGenetics, part of Exact Sciences
Classification: Likely benign for HERC2-related condition. Last evaluated: 2020-02-18. Review status: no assertion criteria provided. Collection method: clinical testing. Allele origin: germline. Not counted in ClinVar's aggregate classification.
Comment: This variant is classified as likely benign based on ACMG/AMP sequence variant interpretation guidelines (Richards et al. 2015 PMID: 25741868, with internal and published modifications).